The following is an entry in ClinVar:

NM_000169.3(GLA):c.1208del (p.Arg402_Leu403insTer)

Genes: GLA (galactosidase alpha; minus strand), RPL36A-HNRNPH2 (RPL36A-HNRNPH2 readthrough; plus strand). Cytogenetic location: Xq22.1.
Variant type: Deletion.
Coding change: c.1208del on transcript NM_000169.3 (MANE Select); coding-DNA position 1208, one base deleted (T; older notation c.1208delT).
Protein change: p.Arg402_Leu403insTer.
Molecular consequence: nonsense. On other transcripts: non-coding transcript variant (3), intron variant (2).
Genome position (GRCh38, 1-based): chrX:101,397,891, A deleted on the plus strand (T on the coding strand, the reverse complement: GLA is on the minus strand); the first of 2 consecutive A bases (chrX:101,397,891-101,397,892); deleting either gives the same sequence. VCF-style (leftmost placement, unchanged base first): chrX-101397890-TA-T. GRCh37 (hg19) VCF-style: chrX-100652878-TA-T.
Other names: c.1331del, p.Arg443_Leu444insTer (NM_001406747.1); c.300+2435del (NM_001199973.2); c.177+6070del (NM_001199974.2).
Identifiers: ClinVar variation 4087203 (VCV004087203.2), dbSNP rs869312240.

ClinVar aggregate classification (germline): Pathogenic (1 of 4 stars; one submission).

Conditions:
Fabry disease. Also called: ALPHA-GALACTOSIDASE A DEFICIENCY; ANDERSON-FABRY DISEASE; CERAMIDE TRIHEXOSIDASE DEFICIENCY; GLA DEFICIENCY; HEREDITARY DYSTOPIC LIPIDOSIS; Angiokeratoma corporis diffusum. Identifiers: Orphanet 324, MedGen C0002986, MONDO:0010526, OMIM 301500, HP:0001071. Disease mechanism: Fabry disease is due to inactivating mutations in the X-linked GLA gene resulting in deficiency of the enzyme Alpha Galactosidase-A., loss of function.

Submission:

Genomenon, Inc
Classification: Pathogenic for Fabry disease. Last evaluated: 2026-09-08. Review status: criteria provided, single submitter. Criteria: Genomenon Sequence Variant Interpretation Standards - Updated. Collection method: curation. Allele origin: germline. Affected: yes.
Comment: GLA p.Leu403Ter (c.1208del) is a nonsense variant that introduces a premature stop codon at amino acid position 403 and is predicted to result in a truncated or absent protein product. This variant has been observed in at least one proband with clinical features consistent with Fabry disease (PMID:27265676;12428061;28682471). Functional or patient cell studies have been reported (PMID:28682471). It is absent or not present at a significant frequency in gnomAD. In conclusion, we classify GLA p.Leu403Ter (c.1208del) as a pathogenic variant.

Literature cited by the submitters: PubMed 27265676; PubMed 12428061; PubMed 28682471.